The following is an entry in ClinVar:

NM_001080467.3(MYO5B):c.4371C>G (p.Val1457=)

Genes: MYO5B (myosin VB; minus strand), SNHG22 (small nucleolar RNA host gene 22; plus strand). Cytogenetic location: 18q21.1.
Variant type: single nucleotide variant.
Coding change: c.4371C>G on transcript NM_001080467.3 (MANE Select); coding-DNA position 4371, C replaced by G.
Protein change: p.Val1457=; no amino-acid change (valine 1457 retained).
Molecular consequence: synonymous variant.
Genome position (GRCh38, 1-based): chr18:49,847,234, G>C on the plus strand (C>G on the coding strand, the complement: MYO5B is on the minus strand). VCF-style: chr18-49847234-G-C. GRCh37 (hg19) VCF-style: chr18-47373604-G-C.
Other names: c.4371C>G (NM_001080467.2).
Identifiers: ClinVar variation 1670561 (VCV001670561.9), dbSNP rs1398441655, ClinGen allele CA503851773.
Genomic context (GRCh38, chr18:49,847,234, plus strand): 5'-CTCGTCCTCTTTGTGGTACTCCAGCATGCCCTGGAAATCCTTCTCTTTCCGCTGGACCGT[G>C]ACCTGCCTGTTGAGCTCATGGCGCTTCCTCTCACTCTGGGCCAATGCCTGGGCAGCTGAG-3'
Protein context (NP_001073936.1, residues 1447-1467): ERKRHELNRQ[Val1457=]TVQRKEKDFQ

ClinVar aggregate classification (germline): Likely benign. Review status: criteria provided, multiple submitters, no conflicts (2 of 4 stars). 2 submissions from 2 submitters: Likely benign (2). Last evaluated 2024-12-27.

Conditions:
MYO5B-related disorder. Also called: MYO5B-related condition.

Allele frequency attached by ClinVar (database versions not stated): gnomAD exomes below 0.00001; gnomAD 0.00001; TOPMed 0.00002.
gnomAD v4.1: 5 of 1,613,980 alleles (0.00031%); highest among the groups gnomAD compares: Non-Finnish European, 0.00034%; no homozygotes.

Submissions (2):

PreventionGenetics, part of Exact Sciences
Classification: Likely benign for MYO5B-related condition. Last evaluated: 2024-12-27. Review status: criteria provided, single submitter. Criteria: ACMG Guidelines, 2015. Collection method: clinical testing. Allele origin: germline.
Comment: This variant is classified as likely benign based on ACMG/AMP sequence variant interpretation guidelines (Richards et al. 2015 PMID: 25741868, with internal and published modifications).

Labcorp Genetics (formerly Invitae), Labcorp
Classification: Likely benign. Last evaluated: 2022-06-27. Review status: criteria provided, single submitter. Criteria: Invitae Variant Classification Sherloc (09022015). Collection method: clinical testing. Allele origin: germline.